The following is an entry in ClinVar:

ClinVar aggregate classification (germline): Likely benign (1 of 4 stars; one submission).

Conditions:
Familial adenomatous polyposis 1 (FAP1). Also called: POLYPOSIS, ADENOMATOUS INTESTINAL; FAMILIAL ADENOMATOUS POLYPOSIS 1, ATTENUATED. Identifiers: MedGen C2713442, MONDO:0021056, OMIM 175100. Disease mechanism: loss of function.

Submission:

Myriad Genetics, Inc.
Classification: Likely benign for Familial adenomatous polyposis 1. Last evaluated: 2024-02-23. Review status: criteria provided, single submitter. Criteria: Myriad Autosomal Dominant, Autosomal Recessive and X-Linked Classification Criteria (2023). Collection method: clinical testing. Allele origin: unknown.
Comment: This variant is considered likely benign. This variant is intronic and is not expected to impact mRNA splicing.

NM_000038.6(APC):c.423-17T>C

Gene: APC (APC regulator of Wnt signaling pathway; plus strand). Cytogenetic location: 5q22.2.
Variant type: single nucleotide variant.
Coding change: c.423-17T>C on transcript NM_000038.6 (MANE Select); 17 bases into the intron before coding-DNA position 423, T replaced by C.
Molecular consequence: intron variant.
Genome position (GRCh38, 1-based): chr5:112,775,612, T>C. VCF-style: chr5-112775612-T-C. GRCh37 (hg19) VCF-style: chr5-112111309-T-C.
Other names: c.-613-17T>C (NM_001407470.1, NM_001407472.1, NM_001354906.2 and 1 more transcripts); c.423-17T>C (NM_001407447.1, NM_001354895.2, NM_001407456.1 and 16 more transcripts); c.453-17T>C (NM_001407446.1, NM_001354897.2, NM_001354902.2 and 1 more transcripts); c.246-17T>C (NM_001407453.1, NM_001354900.2, NM_001354901.2 and 1 more transcripts); c.348-17T>C (NM_001407451.1, NM_001354898.2, NM_001354904.2).
Identifiers: ClinVar variation 3148102 (VCV003148102.1), dbSNP rs534684461, ClinGen allele CA2825001328.
Genomic context (GRCh38, chr5:112,775,612, plus strand): 5'-ACTGATGTAAGTATTGCTCTTCTGCAGTCTTTATTAGCATTGTTTAAACGTACCTTTTTT[T>C]AAAAAAAAAAAAATAGGTCATTGCTTCTTGCTGATCTTGACAAAGAAGAAAAGGAAAAAG-3'